The following is an entry in ClinVar:

ClinVar aggregate classification (germline): Conflicting classifications of pathogenicity. Review status: criteria provided, conflicting classifications (1 of 4 stars). 2 submissions from 2 submitters: Uncertain significance (1); Likely benign (1). Last evaluated 2024-05-30.

Conditions:
Cardiovascular phenotype. Identifiers: MedGen CN230736.

Allele frequency attached by ClinVar (database versions not stated): gnomAD 0.00002; gnomAD exomes 0.00002; TOPMed 0.00005; ExAC 0.00007; ESP Exome Variant Server 0.00023.
gnomAD v4.1: 37 of 1,612,988 alleles (0.0023%); highest among the groups gnomAD compares: Non-Finnish European, 0.0029%; no homozygotes.

Submissions (2):

Ambry Genetics
Classification: Likely benign for Cardiovascular phenotype. Last evaluated: 2024-05-30. Review status: criteria provided, single submitter. Criteria: Ambry Variant Classification Scheme 2023. Collection method: clinical testing. Allele origin: germline.

GeneDx
Classification: Uncertain significance. Last evaluated: 2023-05-18. Review status: criteria provided, single submitter. Criteria: GeneDx Variant Classification Process June 2021. Collection method: clinical testing. Allele origin: germline. Affected: yes.
Comment: In silico analysis supports that this missense variant does not alter protein structure/function; Has not been previously published as pathogenic or benign to our knowledge

NM_004444.5(EPHB4):c.247G>A (p.Ala83Thr)

Gene: EPHB4 (EPH receptor B4; minus strand). Cytogenetic location: 7q22.1.
Variant type: single nucleotide variant.
Coding change: c.247G>A on transcript NM_004444.5 (MANE Select); coding-DNA position 247, G replaced by A.
Protein change: p.Ala83Thr; replaces alanine 83 with threonine.
Molecular consequence: missense variant.
Genome position (GRCh38, 1-based): chr7:100,823,808, C>T on the plus strand (G>A on the coding strand, the complement: EPHB4 is on the minus strand). VCF-style: chr7-100823808-C-T. GRCh37 (hg19) VCF-style: chr7-100421430-C-T.
Other names: short protein forms A83T.
Identifiers: ClinVar variation 2662598 (VCV002662598.2), dbSNP rs371690893, ClinGen allele CA4393363.